The following is an entry in ClinVar:

NM_017866.6(TMEM70):c.697A>T (p.Ile233Phe)

Gene: TMEM70 (transmembrane protein 70; plus strand). Cytogenetic location: 8q21.11.
Variant type: single nucleotide variant.
Coding change: c.697A>T on transcript NM_017866.6 (MANE Select); coding-DNA position 697, A replaced by T.
Protein change: p.Ile233Phe; replaces isoleucine 233 with phenylalanine.
Molecular consequence: missense variant. On other transcripts: 3 prime UTR variant (1), non-coding transcript variant (1).
Genome position (GRCh38, 1-based): chr8:73,981,535, A>T. VCF-style: chr8-73981535-A-T. GRCh37 (hg19) VCF-style: chr8-74893770-A-T.
Other names: c.*387A>T (NM_001040613.3); short protein forms I233F.
Identifiers: ClinVar variation 2078824 (VCV002078824.1), dbSNP rs1586636996, ClinGen allele CA371490543.

ClinVar aggregate classification (germline): Uncertain significance (1 of 4 stars; one submission).

Conditions:
Mitochondrial complex V (ATP synthase) deficiency, nuclear type 2. Also called: Nuclear-Encoded ATPase Deficiency, TMEM70-Related; ENCEPHALOCARDIOMYOPATHY, MITOCHONDRIAL, NEONATAL, DUE TO ATP SYNTHASE DEFICIENCY; MITOCHONDRIAL COMPLEX V (ATP SYNTHASE) DEFICIENCY, TMEM70 TYPE. Identifiers: Orphanet 1194, MedGen C3279699, MONDO:0013546, OMIM 614052.

Submission:

Labcorp Genetics (formerly Invitae), Labcorp
Classification: Uncertain significance for Mitochondrial complex V (ATP synthase) deficiency, nuclear type 2. Last evaluated: 2022-10-14. Review status: criteria provided, single submitter. Criteria: Invitae Variant Classification Sherloc (09022015). Collection method: clinical testing. Allele origin: germline.
Comment: This sequence change replaces isoleucine, which is neutral and non-polar, with phenylalanine, which is neutral and non-polar, at codon 233 of the TMEM70 protein (p.Ile233Phe). This variant is not present in population databases (gnomAD no frequency). This variant has not been reported in the literature in individuals affected with TMEM70-related conditions. Advanced modeling of protein sequence and biophysical properties (such as structural, functional, and spatial information, amino acid conservation, physicochemical variation, residue mobility, and thermodynamic stability) performed at Invitae indicates that this missense variant is not expected to disrupt TMEM70 protein function. In summary, the available evidence is currently insufficient to determine the role of this variant in disease. Therefore, it has been classified as a Variant of Uncertain Significance.